The following is an entry in ClinVar:

NM_032790.3(ORAI1):c.493dup

Gene: ORAI1 (ORAI calcium release-activated calcium modulator 1; plus strand). Cytogenetic location: 12q24.31.
Variant type: Duplication.
Coding change: c.493dup on transcript NM_032790.3; coding-DNA position 493, one base duplicated (C; older notation c.493dupC).
Molecular consequence: non-coding transcript variant (on NR_186857.1).
Genome position (GRCh38, 1-based): chr12:121,641,230, C duplicated; the last of 6 consecutive C bases (chr12:121,641,225-121,641,230); duplicating any one gives the same sequence. VCF-style (leftmost placement, unchanged base first): chr12-121641224-T-TC. GRCh37 (hg19) VCF-style: chr12-122079130-T-TC.
Identifiers: ClinVar variation 4883907 (VCV004883907.2).

ClinVar aggregate classification (germline): Uncertain significance (1 of 4 stars; one submission).

Submission:

Dasa
Classification: Uncertain significance. Last evaluated: 2025-11-27. Review status: criteria provided, single submitter. Criteria: DASA Assertion Criteria. Collection method: clinical testing. Allele origin: germline.
Comment: NM_032790.3(ORAI1):c.493dup (p.His165Profs*2) is a frameshift variant in ORAI1 predicted to alter the reading frame and introduce a premature termination codon and is predicted to result in an absent or altered protein product. This variant is absent from population databases. The currently available literature and clinical evidence are not sufficient to establish a definitive association between this variant and the reported condition. Therefore, this variant is classified as a variant of uncertain significance.